The following is an entry in ClinVar:

ClinVar aggregate classification (germline): Uncertain significance (1 of 4 stars; one submission).

Conditions:
Inborn genetic diseases. Identifiers: MedGen C0950123, MeSH D030342.

Submission:

Ambry Genetics
Classification: Uncertain significance for Inborn genetic diseases. Last evaluated: 2025-03-31. Review status: criteria provided, single submitter. Criteria: Ambry Variant Classification Scheme 2023. Collection method: clinical testing. Allele origin: germline.
Comment: The p.P499T variant (also known as c.1495C>A), located in coding exon 7 of the SH2B3 gene, results from a C to A substitution at nucleotide position 1495. The proline at codon 499 is replaced by threonine, an amino acid with highly similar properties. This amino acid position is conserved. In addition, this alteration is predicted to be tolerated by in silico analysis. Based on the available evidence, the clinical significance of this variant remains unclear.

NM_005475.3(SH2B3):c.1495C>A (p.Pro499Thr)

Gene: SH2B3 (SH2B adaptor protein 3; plus strand). Cytogenetic location: 12q24.12.
Variant type: single nucleotide variant.
Coding change: c.1495C>A on transcript NM_005475.3 (MANE Select); coding-DNA position 1495, C replaced by A.
Protein change: p.Pro499Thr; replaces proline 499 with threonine.
Molecular consequence: missense variant.
Genome position (GRCh38, 1-based): chr12:111,448,069, C>A. VCF-style: chr12-111448069-C-A. GRCh37 (hg19) VCF-style: chr12-111885873-C-A.
Other names: c.889C>A, p.Pro297Thr (NM_001291424.1); short protein forms P297T, P499T.
Identifiers: ClinVar variation 3953410 (VCV003953410.1).